The following is an entry in ClinVar:

ClinVar aggregate classification (germline): Uncertain significance. Review status: criteria provided, multiple submitters, no conflicts (2 of 4 stars). 4 submissions from 4 submitters: Uncertain significance (4). Last evaluated 2025-09-24.

Conditions:
Hereditary cancer-predisposing syndrome. Also called: Neoplastic Syndromes, Hereditary; Hereditary Cancer Syndrome; Hereditary neoplastic syndrome; Tumor predisposition. Identifiers: Orphanet 140162, MedGen C0027672, MeSH D009386, MONDO:0015356.

Allele frequency attached by ClinVar (database versions not stated): gnomAD 0.00001; TOPMed 0.00002.
gnomAD v4.1: 8 of 1,609,014 alleles (0.0005%); highest among the groups gnomAD compares: Non-Finnish European, 0.00034%; no homozygotes.

Submissions (4):

Labcorp Genetics (formerly Invitae), Labcorp
Classification: Uncertain significance. Last evaluated: 2025-09-24. Review status: criteria provided, single submitter. Criteria: Invitae Variant Classification Sherloc (09022015). Collection method: clinical testing. Allele origin: germline.
Comment: This sequence change replaces valine, which is neutral and non-polar, with methionine, which is neutral and non-polar, at codon 2007 of the POLE protein (p.Val2007Met). The frequency data for this variant in the population databases is considered unreliable, as metrics indicate poor data quality at this position in the gnomAD database. This variant has not been reported in the literature in individuals affected with POLE-related conditions. ClinVar contains an entry for this variant (Variation ID: 540647). Invitae Evidence Modeling of protein sequence and biophysical properties (such as structural, functional, and spatial information, amino acid conservation, physicochemical variation, residue mobility, and thermodynamic stability) indicates that this missense variant is not expected to disrupt POLE protein function with a negative predictive value of 80%. In summary, the available evidence is currently insufficient to determine the role of this variant in disease. Therefore, it has been classified as a Variant of Uncertain Significance.

Ambry Genetics
Classification: Uncertain significance for Hereditary cancer-predisposing syndrome. Last evaluated: 2025-05-15. Review status: criteria provided, single submitter. Criteria: Ambry Variant Classification Scheme 2023. Collection method: clinical testing. Allele origin: germline.
Comment: The p.V2007M variant (also known as c.6019G>A), located in coding exon 44 of the POLE gene, results from a G to A substitution at nucleotide position 6019. The valine at codon 2007 is replaced by methionine, an amino acid with highly similar properties. This amino acid position is conserved. In addition, the in silico prediction for this alteration is inconclusive. Based on the available evidence, the clinical significance of this variant remains unclear.

Center for Genomic Medicine, Rigshospitalet, Copenhagen University Hospital
Classification: Uncertain significance. Last evaluated: 2025-03-04. Review status: criteria provided, single submitter. Criteria: ACMG Guidelines, 2015. Collection method: clinical testing. Allele origin: germline.

GeneDx
Classification: Uncertain significance. Last evaluated: 2016-03-07. Review status: criteria provided, single submitter. Criteria: GeneDx Variant Classification Process June 2021. Collection method: clinical testing. Allele origin: germline. Affected: yes.
Comment: Not observed at a significant frequency in large population cohorts (Lek 2016); In silico analysis supports that this missense variant does not alter protein structure/function; Has not been previously published as pathogenic or benign to our knowledge

NM_006231.4(POLE):c.6019G>A (p.Val2007Met)

Gene: POLE (DNA polymerase epsilon, catalytic subunit; minus strand). Cytogenetic location: 12q24.33.
Variant type: single nucleotide variant.
Coding change: c.6019G>A on transcript NM_006231.4 (MANE Select); coding-DNA position 6019, G replaced by A.
Protein change: p.Val2007Met; replaces valine 2007 with methionine.
Molecular consequence: missense variant.
Genome position (GRCh38, 1-based): chr12:132,632,781, C>T on the plus strand (G>A on the coding strand, the complement: POLE is on the minus strand). VCF-style: chr12-132632781-C-T. GRCh37 (hg19) VCF-style: chr12-133209367-C-T.
Other names: c.6019G>A (NM_006231.2); short protein forms V2007M.
Identifiers: ClinVar variation 540647 (VCV000540647.21), dbSNP rs748106601, ClinGen allele CA6892306.